The following is an entry in ClinVar:

ClinVar aggregate classification (germline): Uncertain significance (1 of 4 stars; one submission).

Submission:

GeneDx
Classification: Uncertain significance. Last evaluated: 2026-04-28. Review status: criteria provided, single submitter. Criteria: GeneDx Variant Classification Process June 2021. Collection method: clinical testing. Allele origin: germline.
Comment: Not observed at significant frequency in large population cohorts (gnomAD); In silico analysis supports that this missense variant has a deleterious effect on protein structure/function; Has not been previously published as pathogenic or benign to our knowledge

NM_020297.4(ABCC9):c.3457T>C (p.Phe1153Leu)

Gene: ABCC9 (ATP binding cassette subfamily C member 9; minus strand). Cytogenetic location: 12p12.1.
Variant type: single nucleotide variant.
Coding change: c.3457T>C on transcript NM_020297.4 (MANE Select); coding-DNA position 3457, T replaced by C.
Protein change: p.Phe1153Leu; replaces phenylalanine 1153 with leucine.
Molecular consequence: missense variant.
Genome position (GRCh38, 1-based): chr12:21,842,330, A>G on the plus strand (T>C on the coding strand, the complement: ABCC9 is on the minus strand). VCF-style: chr12-21842330-A-G. GRCh37 (hg19) VCF-style: chr12-21995264-A-G.
Other names: c.3457T>C, p.Phe1153Leu (NM_001377273.1, NM_005691.4); c.2590T>C, p.Phe864Leu (NM_001377274.1); short protein forms F1153L, F864L.
Identifiers: ClinVar variation 4086310 (VCV004086310.2).